The following is an entry in ClinVar:

ClinVar aggregate classification (germline): Uncertain significance (1 of 4 stars; one submission).

Conditions:
Ataxia-telangiectasia syndrome (AT). Also called: ATAXIA-TELANGIECTASIA, FRESNO VARIANT; Ataxia-telangiectasia, complementation group E; Ataxia telangiectasia (A-T); Cerebello-oculocutaneous telangiectasia; Immunodeficiency with ataxia telangiectasia; LOUIS-BAR SYNDROME. Identifiers: Orphanet 100, MedGen C0004135, MONDO:0008840, OMIM 208900.

Submission:

Labcorp Genetics (formerly Invitae), Labcorp
Classification: Uncertain significance for Ataxia-telangiectasia syndrome. Last evaluated: 2018-11-08. Review status: criteria provided, single submitter. Criteria: Invitae Variant Classification Sherloc (09022015). Collection method: clinical testing. Allele origin: germline.
Comment: In summary, the available evidence is currently insufficient to determine the role of this variant in disease. Therefore, it has been classified as a Variant of Uncertain Significance. Algorithms developed to predict the effect of missense changes on protein structure and function (SIFT, PolyPhen-2, Align-GVGD) all suggest that this variant is likely to be tolerated, but these predictions have not been confirmed by published functional studies and their clinical significance is uncertain. This variant has not been reported in the literature in individuals with ATM-related disease. This variant is not present in population databases (ExAC no frequency). This sequence change replaces isoleucine with arginine at codon 1792 of the ATM protein (p.Ile1792Arg). The isoleucine residue is weakly conserved and there is a moderate physicochemical difference between isoleucine and arginine.

NM_000051.4(ATM):c.5375T>G (p.Ile1792Arg)

Gene: ATM (ATM serine/threonine kinase; plus strand). Cytogenetic location: 11q22.3.
Variant type: single nucleotide variant.
Coding change: c.5375T>G on transcript NM_000051.4 (MANE Select); coding-DNA position 5375, T replaced by G.
Protein change: p.Ile1792Arg; replaces isoleucine 1792 with arginine.
Molecular consequence: missense variant.
Genome position (GRCh38, 1-based): chr11:108,302,908, T>G. VCF-style: chr11-108302908-T-G. GRCh37 (hg19) VCF-style: chr11-108173635-T-G.
Other names: c.5375T>G, p.Ile1792Arg (NM_001351834.2); short protein forms I1792R.
Identifiers: ClinVar variation 651773 (VCV000651773.8), dbSNP rs776309355, ClinGen allele CA382543480.